The following is an entry in ClinVar:

NM_000384.3(APOB):c.9721G>T (p.Glu3241Ter)

Gene: APOB (apolipoprotein B; minus strand). Cytogenetic location: 2p24.1.
Variant type: single nucleotide variant.
Coding change: c.9721G>T on transcript NM_000384.3 (MANE Select); coding-DNA position 9721, G replaced by T.
Protein change: p.Glu3241Ter; replaces glutamic acid 3241 with a stop codon.
Molecular consequence: nonsense.
Genome position (GRCh38, 1-based): chr2:21,007,147, C>A on the plus strand (G>T on the coding strand, the complement: APOB is on the minus strand). VCF-style: chr2-21007147-C-A. GRCh37 (hg19) VCF-style: chr2-21230019-C-A.
Other names: short protein forms E3241*.
Identifiers: ClinVar variation 4794201 (VCV004794201.1).

ClinVar aggregate classification (germline): Pathogenic (1 of 4 stars; one submission).

Conditions:
Familial hypobetalipoproteinemia 1. Also called: Hypobetalipoproteinemia, normotriglyceridemic; Acanthocytosis with hypobetalipoproteinemia; APOB-Related Familial Hypobetalipoproteinemia. Identifiers: MedGen C4551990, MONDO:0014252, OMIM 615558.
Hypercholesterolemia, autosomal dominant, type B (FHCL2). Also called: Familial Hypercholesterolemia Type B; APOLIPOPROTEIN B-100, FAMILIAL DEFECTIVE; APOLIPOPROTEIN B-100, FAMILIAL LIGAND-DEFECTIVE; HYPERCHOLESTEROLEMIA, FAMILIAL, DUE TO LIGAND-DEFECTIVE APOLIPOPROTEIN B; APOB-Related Familial Hypercholesterolemia, Autosomal Dominant; Hyperlipoproteinemia Type IIb. Identifiers: MedGen C1704417, MONDO:0007751, OMIM 144010.

gnomAD v4.1: 1 of 1,613,884 alleles (0.000062%); highest among the groups gnomAD compares: Non-Finnish European, 0.000085%; no homozygotes.

Submission:

Labcorp Genetics (formerly Invitae), Labcorp
Classification: Pathogenic for Familial hypobetalipoproteinemia 1; Hypercholesterolemia, autosomal dominant, type B. Last evaluated: 2025-08-24. Review status: criteria provided, single submitter. Criteria: Invitae Variant Classification Sherloc (09022015). Collection method: clinical testing. Allele origin: germline.
Comment: This sequence change creates a premature translational stop signal (p.Glu3241*) in the APOB gene. It is expected to result in an absent or disrupted protein product. Loss-of-function variants in APOB are known to be pathogenic (PMID: 20032471). This variant is not present in population databases (gnomAD no frequency). This variant has not been reported in the literature in individuals affected with APOB-related conditions. For these reasons, this variant has been classified as Pathogenic.

Literature cited by the submitters: PubMed 20032471.